The following is an entry in ClinVar:

ClinVar aggregate classification (germline): Uncertain significance. Review status: criteria provided, multiple submitters, no conflicts (2 of 4 stars). 3 submissions from 3 submitters: Uncertain significance (3). Last evaluated 2025-02-13.

Conditions:
Mowat-Wilson syndrome (MOWS). Also called: Classic Mowat-Wilson Syndrome. Identifiers: Orphanet 2152, MedGen C1856113, MONDO:0009341, OMIM 235730.

Allele frequency attached by ClinVar (database versions not stated): gnomAD exomes below 0.00001; TOPMed below 0.00001.
gnomAD v4.1: 1 of 1,614,098 alleles (0.000062%); highest among the groups gnomAD compares: Non-Finnish European, 0.000085%; no homozygotes.

Submissions (3):

Dasa
Classification: Uncertain significance. Last evaluated: 2025-02-13. Review status: criteria provided, single submitter. Criteria: DASA Assertion Criteria. Collection method: clinical testing. Allele origin: germline.
Comment: NM_014795.4(ZEB2):c.3409G>A (p.Glu1137Lys) is a missense variant that results in the substitution of glutamic acid with lysine. This variant is rare in population databases. Computational prediction algorithms are consistent with a benign effect. The currently available literature and clinical evidence are not sufficient to establish a definitive association between this variant and the reported condition. Therefore, this variant is classified as a variant of uncertain significance.

Labcorp Genetics (formerly Invitae), Labcorp
Classification: Uncertain significance for Mowat-Wilson syndrome. Last evaluated: 2022-12-24. Review status: criteria provided, single submitter. Criteria: Invitae Variant Classification Sherloc (09022015). Collection method: clinical testing. Allele origin: germline.
Comment: ClinVar contains an entry for this variant (Variation ID: 181748). Advanced modeling of protein sequence and biophysical properties (such as structural, functional, and spatial information, amino acid conservation, physicochemical variation, residue mobility, and thermodynamic stability) performed at Invitae indicates that this missense variant is not expected to disrupt ZEB2 protein function. In summary, the available evidence is currently insufficient to determine the role of this variant in disease. Therefore, it has been classified as a Variant of Uncertain Significance. This variant has not been reported in the literature in individuals affected with ZEB2-related conditions. This sequence change replaces glutamic acid, which is acidic and polar, with lysine, which is basic and polar, at codon 1137 of the ZEB2 protein (p.Glu1137Lys). This variant is not present in population databases (gnomAD no frequency).

GeneDx
Classification: Uncertain significance. Last evaluated: 2013-11-05. Review status: criteria provided, single submitter. Criteria: GeneDx Variant Classification (06012015). Collection method: clinical testing. Allele origin: germline. Affected: yes.
Comment: This variant is denoted p.Glu1137Lys on the protein level, c.3409 G>A at the cDNA level, and results in the change of a Glutamic acid to a Lysine (GAG>AAG) in exon 10 of the ZEB2 gene (NM_014795.3). The Glu1137Lys missense change has not been published as a mutation, nor has it been reported as a benign polymorphism to our knowledge. It was not observed in approximately 6,500 individuals of European and African American ancestry in the NHLBI Exome Sequencing Project, indicating it is not a common benign variant in these populations. This variant is a non-conservative amino acid substitution of a negatively charged Glutamic acid residue with a positively charged Lysine residue at a position that is conserved in mammals. However, in silico analysis is inconsistent with regard to the effect this variant may have on the protein structure/function. In addition, missense mutations in the ZEB2 gene are rare and have been identified in less than 2% of patients with Mowat-Wilson syndrome (Garavelli et al., 2009). Therefore, based on the currently available information, it is unclear whether Glu1137Lys is a disease-causing mutation or a rare benign variant. The variant is found in EPILEPSY panel(s).

NM_014795.4(ZEB2):c.3409G>A (p.Glu1137Lys)

Gene: ZEB2 (zinc finger E-box binding homeobox 2; minus strand). Cytogenetic location: 2q22.3.
Variant type: single nucleotide variant.
Coding change: c.3409G>A on transcript NM_014795.4 (MANE Select); coding-DNA position 3409, G replaced by A.
Protein change: p.Glu1137Lys; replaces glutamic acid 1137 with lysine.
Molecular consequence: missense variant.
Genome position (GRCh38, 1-based): chr2:144,389,687, C>T on the plus strand (G>A on the coding strand, the complement: ZEB2 is on the minus strand). VCF-style: chr2-144389687-C-T. GRCh37 (hg19) VCF-style: chr2-145147254-C-T.
Other names: p.E1137K:GAG>AAG; c.3337G>A, p.Glu1113Lys (NM_001171653.2); short protein forms E1137K, E1113K.
Identifiers: ClinVar variation 181748 (VCV000181748.9), dbSNP rs730881205, ClinGen allele CA297623.
Genomic context (GRCh38, chr2:144,389,687, plus strand): 5'-CGCCATCCTGTCTGCCCAGCTTCCCGTAGCCATCCTCGCCTTCTTTCTCGTGCTCCTTCT[C>T]GCTCTCGCCATCCCTCGGCATACTCTCCCTCTCCTCCGAGTCAGAGTACCCCTGAGGGGT-3'
Protein context (NP_055610.1, residues 1127-1147): RESMPRDGES[Glu1137Lys]KEHEKEGEDG